The following is an entry in ClinVar:

ClinVar aggregate classification (germline): Uncertain significance. Review status: criteria provided, multiple submitters, no conflicts (2 of 4 stars). 2 submissions from 2 submitters: Uncertain significance (2). Last evaluated 2024-07-08.

Conditions:
Cardiovascular phenotype. Identifiers: MedGen CN230736.

Submissions (2):

GeneDx
Classification: Uncertain significance. Last evaluated: 2024-07-08. Review status: criteria provided, single submitter. Criteria: GeneDx Variant Classification Process June 2021. Collection method: clinical testing. Allele origin: germline. Affected: yes.
Comment: Has not been previously published as pathogenic or benign to our knowledge; Not observed at significant frequency in large population cohorts (gnomAD); In silico analysis indicates that this missense variant does not alter protein structure/function

Ambry Genetics
Classification: Uncertain significance for Cardiovascular phenotype. Last evaluated: 2021-10-19. Review status: criteria provided, single submitter. Criteria: Ambry Variant Classification Scheme 2023. Collection method: clinical testing. Allele origin: germline.
Comment: The p.L1807M variant (also known as c.5419C>A), located in coding exon 38 of the DMD gene, results from a C to A substitution at nucleotide position 5419. The leucine at codon 1807 is replaced by methionine, an amino acid with highly similar properties. This amino acid position is highly conserved in available vertebrate species. In addition, this alteration is predicted to be tolerated by in silico analysis. Since supporting evidence is limited at this time, the clinical significance of this alteration remains unclear.

NM_004006.3(DMD):c.5419C>A (p.Leu1807Met)

Gene: DMD (dystrophin; minus strand). Cytogenetic location: Xp21.1.
Variant type: single nucleotide variant.
Coding change: c.5419C>A on transcript NM_004006.3 (MANE Select); coding-DNA position 5419, C replaced by A.
Protein change: p.Leu1807Met; replaces leucine 1807 with methionine.
Molecular consequence: missense variant.
Genome position (GRCh38, 1-based): chrX:32,348,435, G>T on the plus strand (C>A on the coding strand, the complement: DMD is on the minus strand). VCF-style: chrX-32348435-G-T. GRCh37 (hg19) VCF-style: chrX-32366552-G-T.
Other names: c.5395C>A, p.Leu1799Met (NM_000109.4); c.5407C>A, p.Leu1803Met (NM_004009.3); c.5050C>A, p.Leu1684Met (NM_004010.3); c.1396C>A, p.Leu466Met (NM_004011.4); c.1387C>A, p.Leu463Met (NM_004012.4); short protein forms L1799M, L1807M, L1684M, L1803M, L463M, L466M.
Identifiers: ClinVar variation 1747403 (VCV001747403.3), dbSNP rs1368648645, ClinGen allele CA412667699.